The following is an entry in ClinVar:

ClinVar aggregate classification (germline): Uncertain significance (1 of 4 stars; one submission).

Submission:

GeneDx
Classification: Uncertain significance. Last evaluated: 2025-07-05. Review status: criteria provided, single submitter. Criteria: GeneDx Variant Classification Process June 2021. Collection method: clinical testing. Allele origin: germline. Affected: yes.
Comment: Not observed at significant frequency in large population cohorts (gnomAD); In-frame duplication of 1 amino acid(s) in a non-repeat region; Has not been previously published as pathogenic or benign to our knowledge; In silico analysis is inconclusive as to whether the variant alters gene splicing. In the absence of RNA/functional studies, the actual effect of this sequence change is unknown.

NM_018972.4(GDAP1):c.408_410dup (p.Thr137_His138insThr)

Gene: GDAP1 (ganglioside induced differentiation associated protein 1; plus strand). Cytogenetic location: 8q21.11.
Variant type: Duplication.
Coding change: c.408_410dup on transcript NM_018972.4 (MANE Select); coding-DNA positions 408 to 410, 3 bases duplicated (TAC; older notation c.408_410dupTAC).
Protein change: p.Thr137_His138insThr.
Molecular consequence: inframe insertion. On other transcripts: intron variant (1).
Genome position (GRCh38, 1-based): chr8:74,360,234-74,360,236, TAC duplicated. VCF-style (leftmost placement, unchanged base first): chr8-74360233-A-ATAC. GRCh37 (hg19) VCF-style: chr8-75272468-A-ATAC.
Other names: c.204_206dup, p.Thr69_His70insThr (NM_001040875.4); c.81_83dup, p.Thr28_His29insThr (NM_001362929.2, NM_001362932.2); c.408_410dup, p.Thr137_His138insThr (NM_001362931.2); c.311-1650_311-1648dup (NM_001362930.2).
Identifiers: ClinVar variation 4681049 (VCV004681049.1).
Genomic context (GRCh38, chr8:74,360,233, plus strand): 5'-TGTATTACCCACGGGTACAACATTACCGAGAGCTGCTTGACTCCTTGCCAATGGATGCCT[A>ATAC]TACACATGGCTGCATTTTACATCCTGAGTTAACTGTGGACTCCATGATCCCGGCTTATGC-3'